The following is an entry in ClinVar:

ClinVar aggregate classification (germline): Conflicting classifications of pathogenicity. Review status: criteria provided, conflicting classifications (1 of 4 stars). 3 submissions from 3 submitters: Uncertain significance (2); Likely benign (1). Last evaluated 2024-05-06.

Conditions:
Inborn genetic diseases. Identifiers: MedGen C0950123, MeSH D030342.
Neonatal-onset encephalopathy with rigidity and seizures. Also called: Lethal neonatal spasticity-epileptic encephalopathy syndrome. Identifiers: Orphanet 435845, MedGen C3281029, MONDO:0013784, OMIM 614498.

Allele frequency attached by ClinVar (database versions not stated): gnomAD 0.00001; gnomAD exomes 0.00001 and 0.00002; TOPMed 0.00001; ExAC 0.00003.
gnomAD v4.1: 19 of 1,612,978 alleles (0.0012%); highest among the groups gnomAD compares: Admixed American, 0.005%; no homozygotes.

Submissions (3):

GeneDx
Classification: Uncertain significance. Last evaluated: 2024-05-06. Review status: criteria provided, single submitter. Criteria: GeneDx Variant Classification Process June 2021. Collection method: clinical testing. Allele origin: germline. Affected: yes.
Comment: Not observed at significant frequency in large population cohorts (gnomAD); In silico analysis indicates that this missense variant does not alter protein structure/function; Has not been previously published as pathogenic or benign to our knowledge

Ambry Genetics
Classification: Likely benign for Inborn genetic diseases. Last evaluated: 2024-01-29. Review status: criteria provided, single submitter. Criteria: Ambry Variant Classification Scheme 2023. Collection method: clinical testing. Allele origin: germline.

Labcorp Genetics (formerly Invitae), Labcorp
Classification: Uncertain significance for Neonatal-onset encephalopathy with rigidity and seizures. Last evaluated: 2022-07-07. Review status: criteria provided, single submitter. Criteria: Invitae Variant Classification Sherloc (09022015). Collection method: clinical testing. Allele origin: germline.
Comment: This sequence change replaces arginine, which is basic and polar, with glutamine, which is neutral and polar, at codon 737 of the BRAT1 protein (p.Arg737Gln). This variant is present in population databases (rs780485844, gnomAD 0.01%). This variant has not been reported in the literature in individuals affected with BRAT1-related conditions. ClinVar contains an entry for this variant (Variation ID: 1036593). Algorithms developed to predict the effect of missense changes on protein structure and function output the following: SIFT: "Tolerated"; PolyPhen-2: "Benign"; Align-GVGD: "Class C0". The glutamine amino acid residue is found in multiple mammalian species, which suggests that this missense change does not adversely affect protein function. In summary, the available evidence is currently insufficient to determine the role of this variant in disease. Therefore, it has been classified as a Variant of Uncertain Significance.

NM_152743.4(BRAT1):c.2210G>A (p.Arg737Gln)

Gene: BRAT1 (BRCA1 associated ATM activator 1; minus strand). Cytogenetic location: 7p22.3.
Variant type: single nucleotide variant.
Coding change: c.2210G>A on transcript NM_152743.4 (MANE Select); coding-DNA position 2210, G replaced by A.
Protein change: p.Arg737Gln; replaces arginine 737 with glutamine.
Molecular consequence: missense variant. On other transcripts: non-coding transcript variant (1).
Genome position (GRCh38, 1-based): chr7:2,538,325, C>T on the plus strand (G>A on the coding strand, the complement: BRAT1 is on the minus strand). VCF-style: chr7-2538325-C-T. GRCh37 (hg19) VCF-style: chr7-2577959-C-T.
Other names: c.2390G>A, p.Arg797Gln (NM_001350626.2); c.1685G>A, p.Arg562Gln (NM_001350627.2); c.2210G>A (NM_152743.3); short protein forms R562Q, R797Q, R737Q.
Identifiers: ClinVar variation 1036593 (VCV001036593.5), dbSNP rs780485844, ClinGen allele CA4127428.
Genomic context (GRCh38, chr7:2,538,325, plus strand): 5'-GCCCGCCACCTCGGCAGGGTGGCCTCTGCGGAGGCAGTGTTGGGGCTGCCCCTGGCCTCC[C>T]GCAGGCTGCTGTAGGAAGCAATCTTGTCCCTCAGGAAGAGAAGGAGGTCACAAGACTTCT-3'
Protein context (NP_689956.2, residues 727-747): RDKIASYSSL[Arg737Gln]EARGSPNTAS